The following is an entry in ClinVar:

ClinVar aggregate classification (germline): Uncertain significance (1 of 4 stars; one submission).

Conditions:
Diffuse cerebral and cerebellar atrophy - intractable seizures - progressive microcephaly syndrome. Also called: Microcephaly, progressive, with seizures and cerebral and cerebellar atrophy. Identifiers: Orphanet 404437, MedGen C4014239, MONDO:0014335, OMIM 615760.

Allele frequency attached by ClinVar (database versions not stated): gnomAD 0.00001.
gnomAD v4.1: 1 of 1,613,860 alleles (0.000062%); highest among the groups gnomAD compares: Admixed American, 0.0017%; no homozygotes.

Submission:

Labcorp Genetics (formerly Invitae), Labcorp
Classification: Uncertain significance for Diffuse cerebral and cerebellar atrophy - intractable seizures - progressive microcephaly syndrome. Last evaluated: 2022-04-07. Review status: criteria provided, single submitter. Criteria: Invitae Variant Classification Sherloc (09022015). Collection method: clinical testing. Allele origin: germline.
Comment: Algorithms developed to predict the effect of sequence changes on RNA splicing suggest that this variant may disrupt the consensus splice site. This variant has not been reported in the literature in individuals affected with QARS-related conditions. This variant is not present in population databases (gnomAD no frequency). This sequence change falls in intron 4 of the QARS gene. It does not directly change the encoded amino acid sequence of the QARS protein. In summary, the available evidence is currently insufficient to determine the role of this variant in disease. Therefore, it has been classified as a Variant of Uncertain Significance.

NM_005051.3(QARS1):c.452-13C>T

Gene: QARS1 (glutaminyl-tRNA synthetase 1; minus strand). Cytogenetic location: 3p21.31.
Variant type: single nucleotide variant.
Coding change: c.452-13C>T on transcript NM_005051.3 (MANE Select); 13 bases into the intron before coding-DNA position 452, C replaced by T.
Molecular consequence: intron variant.
Genome position (GRCh38, 1-based): chr3:49,103,422, G>A on the plus strand (C>T on the coding strand, the complement: QARS1 is on the minus strand). VCF-style: chr3-49103422-G-A. GRCh37 (hg19) VCF-style: chr3-49140855-G-A.
Other names: c.419-13C>T (NM_001272073.2).
Identifiers: ClinVar variation 2070006 (VCV002070006.4), dbSNP rs2042496597, ClinGen allele CA1047727730.